The following is an entry in ClinVar:

NM_144670.6(A2ML1):c.1683+6A>G

Gene: A2ML1 (alpha-2-macroglobulin like 1; plus strand). Cytogenetic location: 12p13.31.
Variant type: single nucleotide variant.
Coding change: c.1683+6A>G on transcript NM_144670.6 (MANE Select); 6 bases into the intron after coding-DNA position 1683, A replaced by G.
Molecular consequence: intron variant.
Genome position (GRCh38, 1-based): chr12:8,846,228, A>G. VCF-style: chr12-8846228-A-G. GRCh37 (hg19) VCF-style: chr12-8998824-A-G.
Other names: c.210+6A>G (NM_001282424.3).
Identifiers: ClinVar variation 392531 (VCV000392531.10), dbSNP rs370846070, ClinGen allele CA6435765.

ClinVar aggregate classification (germline): Conflicting classifications of pathogenicity. Review status: criteria provided, conflicting classifications (1 of 4 stars). 4 submissions from 4 submitters: Uncertain significance (2); Likely benign (2). Last evaluated 2023-12-06.

Allele frequency attached by ClinVar (database versions not stated): gnomAD 0.00001; ExAC 0.00002; gnomAD exomes 0.00002 and 0.00003; TOPMed 0.00002; ESP Exome Variant Server 0.00008.
gnomAD v4.1: 49 of 1,613,950 alleles (0.003%); highest among the groups gnomAD compares: Non-Finnish European, 0.0036%; no homozygotes.

Submissions (4):

Labcorp Genetics (formerly Invitae), Labcorp
Classification: Uncertain significance. Last evaluated: 2023-12-06. Review status: criteria provided, single submitter. Criteria: Invitae Variant Classification Sherloc (09022015). Collection method: clinical testing. Allele origin: germline.
Comment: This sequence change falls in intron 14 of the A2ML1 gene. It does not directly change the encoded amino acid sequence of the A2ML1 protein. It affects a nucleotide within the consensus splice site. This variant is present in population databases (rs370846070, gnomAD 0.004%). This variant has not been reported in the literature in individuals affected with A2ML1-related conditions. ClinVar contains an entry for this variant (Variation ID: 392531). Variants that disrupt the consensus splice site are a relatively common cause of aberrant splicing (PMID: 17576681, 9536098). Algorithms developed to predict the effect of sequence changes on RNA splicing suggest that this variant is not likely to affect RNA splicing. In summary, the available evidence is currently insufficient to determine the role of this variant in disease. Therefore, it has been classified as a Variant of Uncertain Significance.

Women's Health and Genetics/Laboratory Corporation of America, LabCorp
Classification: Uncertain significance. Last evaluated: 2022-02-19. Review status: criteria provided, single submitter. Criteria: LabCorp Variant Classification Summary - May 2015. Collection method: clinical testing. Allele origin: germline.

Blueprint Genetics
Classification: Likely benign. Last evaluated: 2021-07-22. Review status: criteria provided, single submitter. Criteria: ACMG Guidelines, 2015. Collection method: clinical testing. Allele origin: germline.

GeneDx
Classification: Likely benign. Last evaluated: 2017-01-03. Review status: criteria provided, single submitter. Criteria: GeneDx Variant Classification (06012015). Collection method: clinical testing. Allele origin: germline. Affected: yes.
Comment: This variant is considered likely benign or benign based on one or more of the following criteria: it is a conservative change, it occurs at a poorly conserved position in the protein, it is predicted to be benign by multiple in silico algorithms, and/or has population frequency not consistent with disease.

Literature cited by the submitters: PubMed 17576681 (cited by Labcorp Genetics (formerly Invitae), Labcorp); PubMed 9536098 (cited by Labcorp Genetics (formerly Invitae), Labcorp).